The following is an entry in ClinVar:

NM_001374353.1(GLI2):c.845+6C>T

Gene: GLI2 (GLI family zinc finger 2; plus strand). Cytogenetic location: 2q14.2.
Variant type: single nucleotide variant.
Coding change: c.845+6C>T on transcript NM_001374353.1 (MANE Select); 6 bases into the intron after coding-DNA position 845, C replaced by T.
Molecular consequence: intron variant.
Genome position (GRCh38, 1-based): chr2:120,968,921, C>T. VCF-style: chr2-120968921-C-T. GRCh37 (hg19) VCF-style: chr2-121726497-C-T.
Other names: c.845+6C>T (NM_001371271.1, NM_005270.5); c.470+6C>T (NM_001374354.1).
Identifiers: ClinVar variation 388476 (VCV000388476.1), dbSNP rs1057523120, ClinGen allele CA16603797.

ClinVar aggregate classification (germline): Likely benign (1 of 4 stars; one submission).

Allele frequency attached by ClinVar (database versions not stated): gnomAD exomes below 0.00001; TOPMed below 0.00001.
gnomAD v4.1: 1 of 1,605,826 alleles (0.000062%); highest among the groups gnomAD compares: Non-Finnish European, 0.000085%; no homozygotes.

Submission:

GeneDx
Classification: Likely benign. Last evaluated: 2016-08-10. Review status: criteria provided, single submitter. Criteria: GeneDx Variant Classification (06012015). Collection method: clinical testing. Allele origin: germline. Affected: yes.
Comment: This variant is considered likely benign or benign based on one or more of the following criteria: it is a conservative change, it occurs at a poorly conserved position in the protein, it is predicted to be benign by multiple in silico algorithms, and/or has population frequency not consistent with disease.